The following is an entry in ClinVar:

NM_006231.4(POLE):c.5750T>A (p.Met1917Lys)

Gene: POLE (DNA polymerase epsilon, catalytic subunit; minus strand). Cytogenetic location: 12q24.33.
Variant type: single nucleotide variant.
Coding change: c.5750T>A on transcript NM_006231.4 (MANE Select); coding-DNA position 5750, T replaced by A.
Protein change: p.Met1917Lys; replaces methionine 1917 with lysine.
Molecular consequence: missense variant.
Genome position (GRCh38, 1-based): chr12:132,635,953, A>T on the plus strand (T>A on the coding strand, the complement: POLE is on the minus strand). VCF-style: chr12-132635953-A-T. GRCh37 (hg19) VCF-style: chr12-133212539-A-T.
Other names: short protein forms M1917K.
Identifiers: ClinVar variation 4141158 (VCV004141158.1).

ClinVar aggregate classification (germline): Uncertain significance (1 of 4 stars; one submission).

Conditions:
Hereditary cancer-predisposing syndrome. Also called: Hereditary neoplastic syndrome; Neoplastic Syndromes, Hereditary; Tumor predisposition; Hereditary Cancer Syndrome. Identifiers: Orphanet 140162, MedGen C0027672, MeSH D009386, MONDO:0015356.

Submission:

Ambry Genetics
Classification: Uncertain significance for Hereditary cancer-predisposing syndrome. Last evaluated: 2025-07-10. Review status: criteria provided, single submitter. Criteria: Ambry Variant Classification Scheme 2023. Collection method: clinical testing. Allele origin: germline.
Comment: The p.M1917K variant (also known as c.5750T>A), located in coding exon 42 of the POLE gene, results from a T to A substitution at nucleotide position 5750. The methionine at codon 1917 is replaced by lysine, an amino acid with similar properties. This amino acid position is conserved. In addition, this alteration is predicted to be deleterious by in silico analysis. Based on the available evidence, the clinical significance of this variant remains unclear.